The following is an entry in ClinVar:

ClinVar aggregate classification (germline): Benign (1 of 4 stars; one submission).

Conditions:
Leigh syndrome (NULS). Also called: Leigh's necrotizing encephalopathy; Leigh's disease; Leigh Syndrome (mtDNA deletion); Leigh Disease; Subacute necrotizing encephalopathy; Necrotizing encephalopathy infantile subacute of Leigh. Identifiers: Orphanet 506, MedGen C2931891, MONDO:0009723, OMIM 256000.

Submission:

Wong Mito Lab, Molecular and Human Genetics, Baylor College of Medicine
Classification: Benign for Leigh syndrome. Last evaluated: 2019-10-17. Review status: criteria provided, single submitter. Criteria: Modified ACMG Guidelines (Unpublished). Collection method: clinical testing. Allele origin: germline.
Comment: The NC_012920.1:m.8022T>C (YP_003024029.1:p.Ile146Thr) variant in MTCO2 gene is interpretated to be a Benign variant based on the modified ACMG guidelines (unpublished). This variant meets the following evidence codes: BS1, BS4, BP4

NC_012920.1(MT-CO2):m.8022T>C

Gene: MT-CO2 (mitochondrially encoded cytochrome c oxidase II; plus strand).
Variant type: single nucleotide variant.
Genome position: chrM-8022-T-C.
Identifiers: ClinVar variation 692810 (VCV000692810.1), dbSNP rs1556423376, ClinGen allele CA414794681.
Genomic context (GRCh38, chrMT:8,022, plus strand): 5'-TATTCCTAGAACCAGGCGACCTGCGACTCCTTGACGTTGACAATCGAGTAGTACTCCCGA[T>C]TGAAGCCCCCATTCGTATAATAATTACATCACAAGACGTCTTGCACTCATGAGCTGTCCC-3'